The following is an entry in ClinVar:

NM_017780.4(CHD7):c.292C>T (p.Leu98Phe)

Gene: CHD7 (chromodomain helicase DNA binding protein 7; plus strand). Cytogenetic location: 8q12.2.
Variant type: single nucleotide variant.
Coding change: c.292C>T on transcript NM_017780.4 (MANE Select); coding-DNA position 292, C replaced by T.
Protein change: p.Leu98Phe; replaces leucine 98 with phenylalanine.
Molecular consequence: missense variant.
Genome position (GRCh38, 1-based): chr8:60,741,724, C>T. VCF-style: chr8-60741724-C-T. GRCh37 (hg19) VCF-style: chr8-61654283-C-T.
Other names: c.292C>T, p.Leu98Phe (NM_001316690.1); short protein forms L98F.
Identifiers: ClinVar variation 2747074 (VCV002747074.3), dbSNP rs2487261159, ClinGen allele CA371297016.
Genomic context (GRCh38, chr8:60,741,724, plus strand): 5'-CAAAAGATGCATCTGATGGATCAGCCGAACAGAATGATGAGCAACACCCCTGGGAACGGA[C>T]TCGCGTCTCCGCACTCGCAGTATCACACCCCTCCCGTTCCTCAGGTGCCCCATGGTGGCA-3'
Protein context (NP_060250.2, residues 88-108): RMMSNTPGNG[Leu98Phe]ASPHSQYHTP

ClinVar aggregate classification (germline): Uncertain significance (1 of 4 stars; one submission).

Conditions:
CHARGE syndrome (CHARGE). Also called: Hittner Hirsch Kreh syndrome; CHARGE ASSOCIATION--COLOBOMA, HEART ANOMALY, CHOANAL ATRESIA, RETARDATION, GENITAL AND EAR ANOMALIES; Coloboma, heart anomaly, choanal atresia, retardation, genital and ear anomalies; CHARGE association; Hall-Hittner syndrome. Identifiers: Orphanet 138, MedGen C0265354, MONDO:0008965.

gnomAD v4.1: 1 of 1,614,004 alleles (0.000062%); no homozygotes.

Submission:

Labcorp Genetics (formerly Invitae), Labcorp
Classification: Uncertain significance for CHARGE syndrome. Last evaluated: 2024-06-17. Review status: criteria provided, single submitter. Criteria: Invitae Variant Classification Sherloc (09022015). Collection method: clinical testing. Allele origin: germline.
Comment: This sequence change replaces leucine, which is neutral and non-polar, with phenylalanine, which is neutral and non-polar, at codon 98 of the CHD7 protein (p.Leu98Phe). This variant is not present in population databases (gnomAD no frequency). This variant has not been reported in the literature in individuals affected with CHD7-related conditions. Advanced modeling of protein sequence and biophysical properties (such as structural, functional, and spatial information, amino acid conservation, physicochemical variation, residue mobility, and thermodynamic stability) performed at Invitae indicates that this missense variant is not expected to disrupt CHD7 protein function with a negative predictive value of 95%. In summary, the available evidence is currently insufficient to determine the role of this variant in disease. Therefore, it has been classified as a Variant of Uncertain Significance.